The following is an entry in ClinVar:

NM_006734.4(HIVEP2):c.5278C>A (p.His1760Asn)

Gene: HIVEP2 (HIVEP zinc finger 2; minus strand). Cytogenetic location: 6q24.2.
Variant type: single nucleotide variant.
Coding change: c.5278C>A on transcript NM_006734.4 (MANE Select); coding-DNA position 5278, C replaced by A.
Protein change: p.His1760Asn; replaces histidine 1760 with asparagine.
Molecular consequence: missense variant.
Genome position (GRCh38, 1-based): chr6:142,768,446, G>T on the plus strand (C>A on the coding strand, the complement: HIVEP2 is on the minus strand). VCF-style: chr6-142768446-G-T. GRCh37 (hg19) VCF-style: chr6-143089583-G-T.
Other names: short protein forms H1760N.
Identifiers: ClinVar variation 2798765 (VCV002798765.3), dbSNP rs2482810969, ClinGen allele CA365893590.

ClinVar aggregate classification (germline): Uncertain significance (1 of 4 stars; one submission).

Submission:

Labcorp Genetics (formerly Invitae), Labcorp
Classification: Uncertain significance. Last evaluated: 2024-12-16. Review status: criteria provided, single submitter. Criteria: Invitae Variant Classification Sherloc (09022015). Collection method: clinical testing. Allele origin: germline.
Comment: This sequence change replaces histidine, which is basic and polar, with asparagine, which is neutral and polar, at codon 1760 of the HIVEP2 protein (p.His1760Asn). This variant is not present in population databases (gnomAD no frequency). This variant has not been reported in the literature in individuals affected with HIVEP2-related conditions. ClinVar contains an entry for this variant (Variation ID: 2798765). Invitae Evidence Modeling of protein sequence and biophysical properties (such as structural, functional, and spatial information, amino acid conservation, physicochemical variation, residue mobility, and thermodynamic stability) indicates that this missense variant is not expected to disrupt HIVEP2 protein function with a negative predictive value of 80%. In summary, the available evidence is currently insufficient to determine the role of this variant in disease. Therefore, it has been classified as a Variant of Uncertain Significance.